The following is an entry in ClinVar:

NM_001171613.2(PREPL):c.750A>G (p.Leu250=)

Gene: PREPL (prolyl endopeptidase like; minus strand). Cytogenetic location: 2p21.
Variant type: single nucleotide variant.
Coding change: c.750A>G on transcript NM_001171613.2 (MANE Select); coding-DNA position 750, A replaced by G.
Protein change: p.Leu250=; no amino-acid change (leucine 250 retained).
Molecular consequence: synonymous variant. On other transcripts: intron variant (1).
Genome position (GRCh38, 1-based): chr2:44,338,489, T>C on the plus strand (A>G on the coding strand, the complement: PREPL is on the minus strand). VCF-style: chr2-44338489-T-C. GRCh37 (hg19) VCF-style: chr2-44565628-T-C.
Other names: c.1017A>G, p.Leu339= (NM_001042386.2, NM_001171603.1, NM_001171606.2 and 3 more transcripts); c.750A>G, p.Leu250= (NM_001171617.1, NM_001374277.1); c.969+658A>G (NM_001042385.2).
Identifiers: ClinVar variation 767552 (VCV000767552.13), dbSNP rs146874807, ClinGen allele CA1641353.

ClinVar aggregate classification (germline): Likely benign. Review status: criteria provided, multiple submitters, no conflicts (2 of 4 stars). 3 submissions from 3 submitters: Likely benign (2). 1 of the submissions does not count toward it. Last evaluated 2025-10-22.

Conditions:
PREPL-related disorder. Also called: PREPL-related condition.
Myasthenic syndrome, congenital, 22 (CMS22). Also called: PREPL DEFICIENCY. Identifiers: MedGen C4479088, MONDO:0044299, OMIM 616224.

Allele frequency attached by ClinVar (database versions not stated): gnomAD exomes 0.00008 and 0.00004; ExAC 0.00009; gnomAD 0.00022 and 0.00019; TOPMed 0.00029; ESP Exome Variant Server 0.00031.
gnomAD v4.1: 91 of 1,612,348 alleles (0.0056%); highest among the groups gnomAD compares: African/African-American, 0.07%; no homozygotes.

Submissions (3):

Labcorp Genetics (formerly Invitae), Labcorp
Classification: Likely benign for Myasthenic syndrome, congenital, 22. Last evaluated: 2025-10-22. Review status: criteria provided, single submitter. Criteria: Invitae Variant Classification Sherloc (09022015). Collection method: clinical testing. Allele origin: germline.

Breakthrough Genomics
Classification: Likely benign. Review status: criteria provided, single submitter. Criteria: ACMG Guidelines, 2015. Collection method: not provided. Allele origin: germline. Inheritance: Autosomal recessive inheritance. Affected: yes.

PreventionGenetics, part of Exact Sciences
Classification: Likely benign for PREPL-related condition. Last evaluated: 2024-02-09. Review status: no assertion criteria provided. Collection method: clinical testing. Allele origin: germline. Not counted in ClinVar's aggregate classification.
Comment: This variant is classified as likely benign based on ACMG/AMP sequence variant interpretation guidelines (Richards et al. 2015 PMID: 25741868, with internal and published modifications).